The following is an entry in ClinVar:

ClinVar aggregate classification (germline): Uncertain significance (1 of 4 stars; one submission).

Conditions:
Leber congenital amaurosis 8 (LCA8). Identifiers: Orphanet 65, MedGen C3151202, MONDO:0013453, OMIM 613835.
Retinitis pigmentosa 12 (RP12). Also called: RP WITH OR WITHOUT PPRPE; RP WITH OR WITHOUT PRESERVED PARAARTERIOLE RETINAL PIGMENT EPITHELIUM; RETINITIS PIGMENTOSA WITH OR WITHOUT PARAARTERIOLAR PRESERVATION OF RETINAL PIGMENT EPITHELIUM. Identifiers: Orphanet 791, MedGen C1838647, MONDO:0010818, OMIM 600105.

gnomAD v4.1: 4 of 1,614,080 alleles (0.00025%); highest among the groups gnomAD compares: African/African-American, 0.0053%; no homozygotes.

Submission:

Labcorp Genetics (formerly Invitae), Labcorp
Classification: Uncertain significance for Leber congenital amaurosis 8; Retinitis pigmentosa 12. Last evaluated: 2024-03-20. Review status: criteria provided, single submitter. Criteria: Invitae Variant Classification Sherloc (09022015). Collection method: clinical testing. Allele origin: germline.
Comment: This sequence change replaces cysteine, which is neutral and slightly polar, with tyrosine, which is neutral and polar, at codon 445 of the CRB1 protein (p.Cys445Tyr). This variant is present in population databases (rs375931028, gnomAD 0.008%). This variant has not been reported in the literature in individuals affected with CRB1-related conditions. Advanced modeling of protein sequence and biophysical properties (such as structural, functional, and spatial information, amino acid conservation, physicochemical variation, residue mobility, and thermodynamic stability) performed at Invitae indicates that this missense variant is expected to disrupt CRB1 protein function with a positive predictive value of 80%. In summary, the available evidence is currently insufficient to determine the role of this variant in disease. Therefore, it has been classified as a Variant of Uncertain Significance.

NM_201253.3(CRB1):c.1334G>A (p.Cys445Tyr)

Gene: CRB1 (crumbs cell polarity complex component 1; plus strand). Cytogenetic location: 1q31.3.
Variant type: single nucleotide variant.
Coding change: c.1334G>A on transcript NM_201253.3 (MANE Select); coding-DNA position 1334, G replaced by A.
Protein change: p.Cys445Tyr; replaces cysteine 445 with tyrosine.
Molecular consequence: missense variant. On other transcripts: non-coding transcript variant (2).
Genome position (GRCh38, 1-based): chr1:197,421,162, G>A. VCF-style: chr1-197421162-G-A. GRCh37 (hg19) VCF-style: chr1-197390292-G-A.
Other names: c.998G>A, p.Cys333Tyr (NM_001193640.2); c.1127G>A, p.Cys376Tyr (NM_001257965.2); c.1334G>A, p.Cys445Tyr (NM_001257966.2); short protein forms C333Y, C376Y, C445Y.
Identifiers: ClinVar variation 3755435 (VCV003755435.1).